The following is an entry in ClinVar:

NM_133642.5(LARGE1):c.1261A>G (p.Ser421Gly)

Gene: LARGE1 (LARGE xylosyl- and glucuronyltransferase 1; minus strand). Cytogenetic location: 22q12.3.
Variant type: single nucleotide variant.
Coding change: c.1261A>G on transcript NM_133642.5 (MANE Select); coding-DNA position 1261, A replaced by G.
Protein change: p.Ser421Gly; replaces serine 421 with glycine.
Molecular consequence: missense variant. On other transcripts: intron variant (2).
Genome position (GRCh38, 1-based): chr22:33,337,672, T>C on the plus strand (A>G on the coding strand, the complement: LARGE1 is on the minus strand). VCF-style: chr22-33337672-T-C. GRCh37 (hg19) VCF-style: chr22-33733658-T-C.
Other names: c.1261A>G, p.Ser421Gly (NM_001362949.2, NM_001362951.2, NM_001362953.2 and 6 more transcripts); c.658A>G, p.Ser220Gly (NM_001378630.1); c.1132-21424A>G (NM_001378629.1); c.529-21424A>G (NM_001378631.1); short protein forms S220G, S421G.
Identifiers: ClinVar variation 1036948 (VCV001036948.6), dbSNP rs905900345, ClinGen allele CA411543626.
Genomic context (GRCh38, chr22:33,337,672, plus strand): 5'-GCCCCTTCCCTGCCCAGCCTTGCGAGCCACTTACGTTTTCACTGTTGACATCAGCCTCAC[T>C]GGGGCAGCCAAACAGTTCCCGCCTCAGAAGATTGCCGTCATACTCCAGGAAGGTCAGGTA-3'
Protein context (NP_598397.1, residues 411-431): LLRRELFGCP[Ser421Gly]EADVNSENLQ

ClinVar aggregate classification (germline): Uncertain significance (1 of 4 stars; one submission).

Conditions:
Muscular dystrophy-dystroglycanopathy type B6 (MDDGB6). Also called: MUSCULAR DYSTROPHY, CONGENITAL, LARGE-RELATED; MUSCULAR DYSTROPHY, CONGENITAL, TYPE 1D; MUSCULAR DYSTROPHY-DYSTROGLYCANOPATHY (CONGENITAL WITH IMPAIRED INTELLECTUAL DEVELOPMENT), TYPE B, 6. Identifiers: MedGen C1837229, MONDO:0012138, OMIM 608840.

Allele frequency attached by ClinVar (database versions not stated): gnomAD exomes below 0.00001.
gnomAD v4.1: 1 of 1,614,072 alleles (0.000062%); highest among the groups gnomAD compares: Non-Finnish European, 0.000085%; no homozygotes.

Submission:

Labcorp Genetics (formerly Invitae), Labcorp
Classification: Uncertain significance for Muscular dystrophy-dystroglycanopathy type B6. Last evaluated: 2022-02-03. Review status: criteria provided, single submitter. Criteria: Invitae Variant Classification Sherloc (09022015). Collection method: clinical testing. Allele origin: germline.
Comment: This sequence change replaces serine, which is neutral and polar, with glycine, which is neutral and non-polar, at codon 421 of the LARGE1 protein (p.Ser421Gly). This variant is not present in population databases (gnomAD no frequency). This variant has not been reported in the literature in individuals affected with LARGE1-related conditions. ClinVar contains an entry for this variant (Variation ID: 1036948). Algorithms developed to predict the effect of missense changes on protein structure and function are either unavailable or do not agree on the potential impact of this missense change (SIFT: "Tolerated"; PolyPhen-2: "Possibly Damaging"; Align-GVGD: "Class C0"). Algorithms developed to predict the effect of sequence changes on RNA splicing suggest that this variant may create or strengthen a splice site. In summary, the available evidence is currently insufficient to determine the role of this variant in disease. Therefore, it has been classified as a Variant of Uncertain Significance.